The following is an entry in ClinVar:

ClinVar aggregate classification (germline): Uncertain significance. Review status: criteria provided, multiple submitters, no conflicts (2 of 4 stars). 2 submissions from 2 submitters: Uncertain significance (2). Last evaluated 2026-07-06.

Conditions:
Hereditary cancer-predisposing syndrome. Also called: Neoplastic Syndromes, Hereditary; Hereditary Cancer Syndrome; Tumor predisposition; Hereditary neoplastic syndrome. Identifiers: Orphanet 140162, MedGen C0027672, MeSH D009386, MONDO:0015356.
Juvenile polyposis syndrome (JPS). Identifiers: Orphanet 2929, MedGen C0345893, MONDO:0017380, OMIM 174900.

Allele frequency attached by ClinVar (database versions not stated): TOPMed 0.00001.
gnomAD v4.1: 1 of 1,613,952 alleles (0.000062%); no homozygotes.

Submissions (2):

Ambry Genetics
Classification: Uncertain significance for Hereditary cancer-predisposing syndrome. Last evaluated: 2026-07-06. Review status: criteria provided, single submitter. Criteria: Ambry Variant Classification Scheme 2023. Collection method: clinical testing. Allele origin: germline.
Comment: The p.A330T variant (also known as c.988G>A), located in coding exon 8 of the BMPR1A gene, results from a G to A substitution at nucleotide position 988. The alanine at codon 330 is replaced by threonine, an amino acid with similar properties. This amino acid position is conserved. In addition, this alteration is predicted to be tolerated by in silico analysis. Based on the available evidence, the clinical significance of this variant remains unclear.

Labcorp Genetics (formerly Invitae), Labcorp
Classification: Uncertain significance for Juvenile polyposis syndrome. Last evaluated: 2026-02-03. Review status: criteria provided, single submitter. Criteria: Invitae Variant Classification Sherloc (09022015). Collection method: clinical testing. Allele origin: germline.
Comment: This sequence change replaces alanine, which is neutral and non-polar, with threonine, which is neutral and polar, at codon 330 of the BMPR1A protein (p.Ala330Thr). This variant is not present in population databases (gnomAD no frequency). This variant has not been reported in the literature in individuals affected with BMPR1A-related conditions. ClinVar contains an entry for this variant (Variation ID: 411626). Invitae Evidence Modeling of protein sequence and biophysical properties (such as structural, functional, and spatial information, amino acid conservation, physicochemical variation, residue mobility, and thermodynamic stability) indicates that this missense variant is not expected to disrupt BMPR1A protein function with a negative predictive value of 80%. In summary, the available evidence is currently insufficient to determine the role of this variant in disease. Therefore, it has been classified as a Variant of Uncertain Significance.

NM_004329.3(BMPR1A):c.988G>A (p.Ala330Thr)

Gene: BMPR1A (bone morphogenetic protein receptor type 1A; plus strand). Cytogenetic location: 10q23.2.
Variant type: single nucleotide variant.
Coding change: c.988G>A on transcript NM_004329.3 (MANE Select); coding-DNA position 988, G replaced by A.
Protein change: p.Ala330Thr; replaces alanine 330 with threonine.
Molecular consequence: missense variant.
Genome position (GRCh38, 1-based): chr10:86,919,291, G>A. VCF-style: chr10-86919291-G-A. GRCh37 (hg19) VCF-style: chr10-88679048-G-A.
Other names: short protein forms A330T.
Identifiers: ClinVar variation 411626 (VCV000411626.11), dbSNP rs927151124, ClinGen allele CA16613127.